The following is an entry in ClinVar:

NM_001139.3(ALOX12B):c.799dup (p.Gln267fs)

Genes: ALOX12B (arachidonate 12-lipoxygenase, 12R type; minus strand), LOC130060196 (ATAC-STARR-seq lymphoblastoid active region 11660; plus strand). Cytogenetic location: 17p13.1.
Variant type: Duplication.
Coding change: c.799dup on transcript NM_001139.3 (MANE Select); coding-DNA position 799, one base duplicated (C; older notation c.799dupC).
Protein change: p.Gln267fs; shifts the reading frame from glutamine 267.
Molecular consequence: frameshift variant.
Genome position (GRCh38, 1-based): chr17:8,079,897, G duplicated on the plus strand (C on the coding strand, the reverse complement: ALOX12B is on the minus strand); the first of 2 consecutive G bases (chr17:8,079,897-8,079,898); duplicating either gives the same sequence. VCF-style (leftmost placement, unchanged base first): chr17-8079896-T-TG. GRCh37 (hg19) VCF-style: chr17-7983214-T-TG.
Other names: c.799dup (NM_001139.2); short protein forms Q267fs.
Identifiers: ClinVar variation 3021156 (VCV003021156.5), dbSNP rs1478989829, ClinGen allele CA397994500.

ClinVar aggregate classification (germline): Pathogenic/Likely pathogenic. Review status: criteria provided, multiple submitters, no conflicts (2 of 4 stars). 2 submissions from 2 submitters: Pathogenic (1); Likely pathogenic (1). Last evaluated 2025-12-22.

Conditions:
Autosomal recessive congenital ichthyosis 2 (ARCI2). Identifiers: Orphanet 281122, Orphanet 79394, MedGen C3888093, MONDO:0009439, OMIM 242100.

Submissions (2):

Labcorp Genetics (formerly Invitae), Labcorp
Classification: Pathogenic. Last evaluated: 2025-12-22. Review status: criteria provided, single submitter. Criteria: Invitae Variant Classification Sherloc (09022015). Collection method: clinical testing. Allele origin: germline.
Comment: This sequence change creates a premature translational stop signal (p.Gln267Profs*107) in the ALOX12B gene. It is expected to result in an absent or disrupted protein product. Loss-of-function variants in ALOX12B are known to be pathogenic (PMID: 16116617, 23621129, 31046801). This variant is present in population databases (no rsID available, gnomAD 0.0009%). This variant has not been reported in the literature in individuals affected with ALOX12B-related conditions. ClinVar contains an entry for this variant (Variation ID: 3021156). For these reasons, this variant has been classified as Pathogenic.

Fulgent Genetics
Classification: Likely pathogenic for Autosomal recessive congenital ichthyosis 2. Last evaluated: 2024-04-13. Review status: criteria provided, single submitter. Criteria: ACMG Guidelines, 2015. Collection method: clinical testing. Allele origin: germline.

Literature cited by the submitters: PubMed 16116617 (cited by Labcorp Genetics (formerly Invitae), Labcorp); PubMed 23621129 (cited by Labcorp Genetics (formerly Invitae), Labcorp); PubMed 31046801 (cited by Labcorp Genetics (formerly Invitae), Labcorp).